The following is an entry in ClinVar:

ClinVar aggregate classification (germline): Likely benign (1 of 4 stars; one submission).

Allele frequency attached by ClinVar (database versions not stated): gnomAD 0.00019; ExAC 0.00022; gnomAD exomes 0.00023; TOPMed 0.00026; ESP Exome Variant Server 0.00046.
gnomAD v4.1: 354 of 1,613,668 alleles (0.022%); highest among the groups gnomAD compares: South Asian, 0.077%; no homozygotes.

Submission:

CeGaT Center for Human Genetics Tuebingen
Classification: Likely benign. Last evaluated: 2022-08-01. Review status: criteria provided, single submitter. Criteria: CeGaT Center For Human Genetics Tuebingen Variant Classification Criteria Version 2. Collection method: clinical testing. Allele origin: germline. Affected: yes. Observed: 1 variant allele.
Comment: SIPA1L1: BP4, BP7

NM_001386936.1(SIPA1L1):c.435G>A (p.Pro145=)

Gene: SIPA1L1 (signal induced proliferation associated 1 like 1; plus strand). Cytogenetic location: 14q24.2.
Variant type: single nucleotide variant.
Coding change: c.435G>A on transcript NM_001386936.1 (MANE Select); coding-DNA position 435, G replaced by A.
Protein change: p.Pro145=; no amino-acid change (proline 145 retained).
Molecular consequence: synonymous variant. On other transcripts: intron variant (1).
Genome position (GRCh38, 1-based): chr14:71,588,307, G>A. VCF-style: chr14-71588307-G-A. GRCh37 (hg19) VCF-style: chr14-72055024-G-A.
Other names: c.435G>A, p.Pro145= (NM_001354288.2, NM_015556.4, NM_001284245.3 and 5 more transcripts); c.17-30450G>A (NM_001354289.2).
Identifiers: ClinVar variation 2644353 (VCV002644353.24), dbSNP rs141094104, ClinGen allele CA7252430.
Genomic context (GRCh38, chr14:71,588,307, plus strand): 5'-TTCCAATGACTCAGCCATGCTGAAAAGCATACAGAACACGCTGAAAAACAAGACAAGACC[G>A]TCGGAGAACATGGACTCCAGATTTCTCATGCCTGAAGCCTACCCCAGCTCCCCCAGAAAA-3'
Protein context (NP_001373865.1, residues 135-155): IQNTLKNKTR[Pro145=]SENMDSRFLM